The following is an entry in ClinVar:

NM_022552.5(DNMT3A):c.2383T>C (p.Trp795Arg)

Gene: DNMT3A (DNA methyltransferase 3 alpha; minus strand). Cytogenetic location: 2p23.3.
Variant type: single nucleotide variant.
Coding change: c.2383T>C on transcript NM_022552.5 (MANE Select); coding-DNA position 2383, T replaced by C.
Protein change: p.Trp795Arg; replaces tryptophan 795 with arginine.
Molecular consequence: missense variant. On other transcripts: non-coding transcript variant (1).
Genome position (GRCh38, 1-based): chr2:25,239,155, A>G on the plus strand (T>C on the coding strand, the complement: DNMT3A is on the minus strand). VCF-style: chr2-25239155-A-G. GRCh37 (hg19) VCF-style: chr2-25462024-A-G.
Other names: c.1927T>C, p.Trp643Arg (NM_001320893.1); c.1714T>C, p.Trp572Arg (NM_001375819.1); c.1816T>C, p.Trp606Arg (NM_153759.3); c.2383T>C, p.Trp795Arg (NM_175629.2); short protein forms W795R, W643R, W572R, W606R.
Identifiers: ClinVar variation 4692297 (VCV004692297.1).

ClinVar aggregate classification (germline): Uncertain significance (1 of 4 stars; one submission).

Conditions:
Tatton-Brown-Rahman overgrowth syndrome. Also called: Tall stature-intellectual disability-facial dysmorphism syndrome; Tatton-Brown-Rahman syndrome. Identifiers: Orphanet 404443, MedGen C4014545, MONDO:0014382, OMIM 615879.

gnomAD v4.1: 2 of 1,614,084 alleles (0.00012%); highest among the groups gnomAD compares: Admixed American, 0.0017%; no homozygotes.

Submission:

Labcorp Genetics (formerly Invitae), Labcorp
Classification: Uncertain significance for Tatton-Brown-Rahman overgrowth syndrome. Last evaluated: 2025-02-15. Review status: criteria provided, single submitter. Criteria: Invitae Variant Classification Sherloc (09022015). Collection method: clinical testing. Allele origin: germline.
Comment: This sequence change replaces tryptophan, which is neutral and slightly polar, with arginine, which is basic and polar, at codon 795 of the DNMT3A protein (p.Trp795Arg). This variant is present in population databases (rs778414705, gnomAD 0.004%). This variant has not been reported in the literature in individuals affected with DNMT3A-related conditions. Invitae Evidence Modeling of protein sequence and biophysical properties (such as structural, functional, and spatial information, amino acid conservation, physicochemical variation, residue mobility, and thermodynamic stability) indicates that this missense variant is expected to disrupt DNMT3A protein function with a positive predictive value of 95%. In summary, the available evidence is currently insufficient to determine the role of this variant in disease. Therefore, it has been classified as a Variant of Uncertain Significance.